The following is an entry in ClinVar:

ClinVar aggregate classification (germline): Likely benign (1 of 4 stars; one submission).

Conditions:
STK36-related disorder. Also called: STK36-related condition.

gnomAD v4.1: 1 of 1,613,474 alleles (0.000062%); highest among the groups gnomAD compares: Non-Finnish European, 0.000085%; no homozygotes.

Submission:

PreventionGenetics, part of Exact Sciences
Classification: Likely benign for STK36-related condition. Last evaluated: 2025-08-15. Review status: criteria provided, single submitter. Criteria: ACMG Guidelines, 2015. Collection method: clinical testing. Allele origin: germline.
Comment: This variant is classified as likely benign based on ACMG/AMP sequence variant interpretation guidelines (Richards et al. 2015 PMID: 25741868, with internal and published modifications).

NM_015690.5(STK36):c.90G>A (p.Val30=)

Gene: STK36 (serine/threonine kinase 36; plus strand). Cytogenetic location: 2q35.
Variant type: single nucleotide variant.
Coding change: c.90G>A on transcript NM_015690.5 (MANE Select); coding-DNA position 90, G replaced by A.
Protein change: p.Val30=; no amino-acid change (valine 30 retained).
Molecular consequence: synonymous variant.
Genome position (GRCh38, 1-based): chr2:218,673,630, G>A. VCF-style: chr2-218673630-G-A. GRCh37 (hg19) VCF-style: chr2-219538353-G-A.
Other names: c.90G>A, p.Val30= (NM_001243313.2, NM_001369423.1).
Identifiers: ClinVar variation 4999693 (VCV004999693.1).
Genomic context (GRCh38, chr2:218,673,630, plus strand): 5'-CTAGATCTTTTCAGTAGTGTGATTAGGCGTTAACTTTTCACCTTACCACTGACAGGTCGT[G>A]GCCCTGAAGTTCATCCCAAAATTGGGGCGCTCAGAGAAGGAGCTGAGGAATTTGCAACGA-3'
Protein context (NP_056505.2, residues 20-40): KGRRKYSAQV[Val30=]ALKFIPKLGR